The following is an entry in ClinVar:

NM_000070.3(CAPN3):c.466A>G (p.Ile156Val)

Genes: CAPN3 (calpain 3; plus strand), LOC126862115 (BRD4-independent group 4 enhancer GRCh37_chr15:42677734-42678933; plus strand). Cytogenetic location: 15q15.1.
Variant type: single nucleotide variant.
Coding change: c.466A>G on transcript NM_000070.3 (MANE Select); coding-DNA position 466, A replaced by G.
Protein change: p.Ile156Val; replaces isoleucine 156 with valine.
Molecular consequence: missense variant.
Genome position (GRCh38, 1-based): chr15:42,386,253, A>G. VCF-style: chr15-42386253-A-G. GRCh37 (hg19) VCF-style: chr15-42678451-A-G.
Other names: c.466A>G, p.Ile156Val (NM_024344.2, NM_173087.2); c.466A>G (NM_000070.2); short protein forms I156V.
Identifiers: ClinVar variation 596420 (VCV000596420.13), dbSNP rs780611743, ClinGen allele CA7511020.
Genomic context (GRCh38, chr15:42,386,253, plus strand): 5'-GCCTGCCTGACCCTGAACCAGCACCTTCTTTTCCGAGTCATACCCCATGATCAAAGTTTC[A>G]TCGAAAACTACGCAGGGATCTTCCACTTCCAGGTGAGGTAATGAGAGTGTAGTTAAGAGG-3'
Protein context (NP_000061.1, residues 146-166): FRVIPHDQSF[Ile156Val]ENYAGIFHFQ

ClinVar aggregate classification (germline): Uncertain significance. Review status: criteria provided, multiple submitters, no conflicts (2 of 4 stars). 4 submissions from 4 submitters: Uncertain significance (4). Last evaluated 2025-09-05.

Conditions:
Inborn genetic diseases. Identifiers: MedGen C0950123, MeSH D030342.
Autosomal recessive limb-girdle muscular dystrophy type 2A (LGMDR1). Also called: Muscular dystrophy, limb-girdle, type 2A, Amish; LEYDEN-MOEBIUS MUSCULAR DYSTROPHY; MUSCULAR DYSTROPHY, PELVOFEMORAL; Calpainopathy; Limb-girdle muscular dystrophy, type 2A. Identifiers: Orphanet 267, MedGen C1869123, MONDO:0009675, OMIM 253600. Disease mechanism: loss of function.

Allele frequency attached by ClinVar (database versions not stated): ExAC 0.00001.
gnomAD v4.1: 8 of 1,613,820 alleles (0.0005%); highest among the groups gnomAD compares: Admixed American, 0.005%; no homozygotes.

Submissions (4):

Myriad Genetics, Inc.
Classification: Uncertain significance for Autosomal recessive limb-girdle muscular dystrophy type 2A. Last evaluated: 2025-09-05. Review status: criteria provided, single submitter. Criteria: Myriad Autosomal Dominant, Autosomal Recessive and X-Linked Classification Criteria (2023). Collection method: clinical testing. Allele origin: unknown.
Comment: NM_000070.2(CAPN3):c.466A>G(I156V) is a missense variant classified as a variant of uncertain significance in the context of calpainopathy. I156V has not been observed in cases with relevant disease. Relevant functional assessments of this variant are not available in the literature. I156V has been observed in referenced population frequency databases. In summary, there is insufficient evidence to classify NM_000070.2(CAPN3):c.466A>G(I156V) as pathogenic or benign. Please note: this variant was assessed in the context of healthy population screening.

Labcorp Genetics (formerly Invitae), Labcorp
Classification: Uncertain significance for Autosomal recessive limb-girdle muscular dystrophy type 2A. Last evaluated: 2025-08-18. Review status: criteria provided, single submitter. Criteria: Invitae Variant Classification Sherloc (09022015). Collection method: clinical testing. Allele origin: germline.
Comment: This sequence change replaces isoleucine, which is neutral and non-polar, with valine, which is neutral and non-polar, at codon 156 of the CAPN3 protein (p.Ile156Val). This variant is present in population databases (rs780611743, gnomAD 0.002%). This variant has not been reported in the literature in individuals affected with CAPN3-related conditions. ClinVar contains an entry for this variant (Variation ID: 596420). Invitae Evidence Modeling of protein sequence and biophysical properties (such as structural, functional, and spatial information, amino acid conservation, physicochemical variation, residue mobility, and thermodynamic stability) indicates that this missense variant is not expected to disrupt CAPN3 protein function with a negative predictive value of 80%. In summary, the available evidence is currently insufficient to determine the role of this variant in disease. Therefore, it has been classified as a Variant of Uncertain Significance.

Ambry Genetics
Classification: Uncertain significance for Inborn genetic diseases. Last evaluated: 2025-07-02. Review status: criteria provided, single submitter. Criteria: Ambry Variant Classification Scheme 2023. Collection method: clinical testing. Allele origin: germline.

Eurofins Ntd Llc (ga)
Classification: Uncertain significance. Last evaluated: 2018-03-15. Review status: criteria provided, single submitter. Criteria: EGL ClinVar v180209 classification definitions. Collection method: clinical testing. Allele origin: germline. Observed: 1 variant allele, 1 heterozygote.